The following is an entry in ClinVar:

NM_025003.5(ADAMTS20):c.3093C>T (p.Ser1031=)

Gene: ADAMTS20 (ADAM metallopeptidase with thrombospondin type 1 motif 20; minus strand). Cytogenetic location: 12q12.
Variant type: single nucleotide variant.
Coding change: c.3093C>T on transcript NM_025003.5 (MANE Select); coding-DNA position 3093, C replaced by T.
Protein change: p.Ser1031=; no amino-acid change (serine 1031 retained).
Molecular consequence: synonymous variant.
Genome position (GRCh38, 1-based): chr12:43,432,307, G>A on the plus strand (C>T on the coding strand, the complement: ADAMTS20 is on the minus strand). VCF-style: chr12-43432307-G-A. GRCh37 (hg19) VCF-style: chr12-43826110-G-A.
Other names: c.3093C>T, p.Ser1031= (NM_001077205.1).
Identifiers: ClinVar variation 2642903 (VCV002642903.24), dbSNP rs111396063, ClinGen allele CA6520806.

ClinVar aggregate classification (germline): Likely benign (1 of 4 stars; one submission).

Allele frequency attached by ClinVar (database versions not stated): ExAC 0.00046; ESP Exome Variant Server 0.00169; 1000 Genomes Project 30x 0.00219; 1000 Genomes Project 0.00220.

Submission:

CeGaT Center for Human Genetics Tuebingen
Classification: Likely benign. Last evaluated: 2023-03-01. Review status: criteria provided, single submitter. Criteria: CeGaT Center For Human Genetics Tuebingen Variant Classification Criteria Version 2. Collection method: clinical testing. Allele origin: germline. Affected: yes. Observed: 1 variant allele.
Comment: ADAMTS20: BP4, BP7, BS2